The following is an entry in ClinVar:

ClinVar aggregate classification (germline): Likely pathogenic (1 of 4 stars; one submission).

Conditions:
Spermatogenic failure 73 (SPGF73). Identifiers: MedGen C5676988, MONDO:0030818, OMIM 619878.

gnomAD v4.1: 1 of 1,596,358 alleles (0.000063%); highest among the groups gnomAD compares: Non-Finnish European, 0.000086%; no homozygotes.

Submission:

First Genomix Gene Laboratory, Genetic Diagnostics Department
Classification: Likely pathogenic for Spermatogenic failure 73. Last evaluated: 2025-08-07. Review status: criteria provided, single submitter. Criteria: ACMG Guidelines, 2015. Collection method: clinical testing. Allele origin: germline. Inheritance: Autosomal recessive inheritance. Affected: no. Observed: 1 variant allele.

NM_018995.3(MOV10L1):c.2505+1G>A

Gene: MOV10L1 (Mov10 like RNA helicase 1; plus strand). Cytogenetic location: 22q13.33.
Variant type: single nucleotide variant.
Coding change: c.2505+1G>A on transcript NM_018995.3 (MANE Select); the canonical splice donor site of the intron after coding-DNA position 2505, G replaced by A.
Molecular consequence: splice donor variant.
Genome position (GRCh38, 1-based): chr22:50,144,244, G>A. VCF-style: chr22-50144244-G-A. GRCh37 (hg19) VCF-style: chr22-50582673-G-A.
Other names: c.2505+1G>A (NM_001164104.2); c.2445+1G>A (NM_001164105.2).
Identifiers: ClinVar variation 4850591 (VCV004850591.1).